The following is an entry in ClinVar:

NM_003282.4(TNNI2):c.414G>A (p.Arg138=)

Gene: TNNI2 (troponin I2, fast skeletal type; plus strand). Cytogenetic location: 11p15.5.
Variant type: single nucleotide variant.
Coding change: c.414G>A on transcript NM_003282.4 (MANE Select); coding-DNA position 414, G replaced by A.
Protein change: p.Arg138=; no amino-acid change (arginine 138 retained).
Molecular consequence: synonymous variant.
Genome position (GRCh38, 1-based): chr11:1,841,168, G>A. VCF-style: chr11-1841168-G-A. GRCh37 (hg19) VCF-style: chr11-1862398-G-A.
Other names: c.414G>A, p.Arg138= (NM_001145829.2, NM_001145841.2).
Identifiers: ClinVar variation 4991140 (VCV004991140.1).

ClinVar aggregate classification (germline): Likely benign (1 of 4 stars; one submission).

Conditions:
TNNI2-related disorder. Also called: TNNI2-related condition.

Submission:

PreventionGenetics, part of Exact Sciences
Classification: Likely benign for TNNI2-related condition. Last evaluated: 2026-02-17. Review status: criteria provided, single submitter. Criteria: ACMG Guidelines, 2015. Collection method: clinical testing. Allele origin: germline.
Comment: This variant is classified as likely benign based on ACMG/AMP sequence variant interpretation guidelines (Richards et al. 2015 PMID: 25741868, with internal and published modifications).